The following is an entry in ClinVar:

NM_000061.3(BTK):c.680del (p.Pro227fs)

Gene: BTK (Bruton tyrosine kinase; minus strand). Cytogenetic location: Xq22.1.
Variant type: Deletion.
Coding change: c.680del on transcript NM_000061.3 (MANE Select); coding-DNA position 680, one base deleted (C; older notation c.680delC).
Protein change: p.Pro227fs; shifts the reading frame from proline 227.
Molecular consequence: frameshift variant.
Genome position (GRCh38, 1-based): chrX:101,360,664, G deleted on the plus strand (C on the coding strand, the reverse complement: BTK is on the minus strand); the first of 2 consecutive G bases (chrX:101,360,664-101,360,665); deleting either gives the same sequence. VCF-style (leftmost placement, unchanged base first): chrX-101360663-TG-T. GRCh37 (hg19) VCF-style: chrX-100615651-TG-T.
Other names: c.782del, p.Pro261fs (NM_001287344.2); c.680del, p.Pro227fs (NM_001287345.2); c.680delC (NM_000061.2); short protein forms P227fs, P261fs.
Identifiers: ClinVar variation 651001 (VCV000651001.9), dbSNP rs1603008449, ClinGen allele CA915951318.

ClinVar aggregate classification (germline): Pathogenic (1 of 4 stars; one submission).

Conditions:
X-linked agammaglobulinemia with growth hormone deficiency (IGHD3). Also called: HYPOGAMMAGLOBULINEMIA AND ISOLATED GROWTH HORMONE DEFICIENCY, X-LINKED; IGHD III; ISOLATED GROWTH HORMONE DEFICIENCY, TYPE III, WITH AGAMMAGLOBULINEMIA; AGAMMAGLOBULINEMIA AND ISOLATED GROWTH HORMONE DEFICIENCY, X-LINKED; FLEISHER SYNDROME; Isolated growth hormone deficiency type 3. Identifiers: Orphanet 231692, Orphanet 631, MedGen C0472813, MONDO:0010615, OMIM 307200.

Submission:

Labcorp Genetics (formerly Invitae), Labcorp
Classification: Pathogenic for X-linked agammaglobulinemia with growth hormone deficiency. Last evaluated: 2019-02-12. Review status: criteria provided, single submitter. Criteria: Invitae Variant Classification Sherloc (09022015). Collection method: clinical testing. Allele origin: germline.
Comment: This sequence change creates a premature translational stop signal (p.Pro227Glnfs*2) in the BTK gene. It is expected to result in an absent or disrupted protein product. This variant is not present in population databases (ExAC no frequency). This variant has not been reported in the literature in individuals with BTK-related disease. Loss-of-function variants in BTK are known to be pathogenic (PMID: 15661032, 16862044, 19419768). For these reasons, this variant has been classified as Pathogenic.

Literature cited by the submitters: PubMed 15661032; PubMed 16862044; PubMed 19419768.